The following is an entry in ClinVar:

NM_201384.3(PLEC):c.4484A>C (p.Glu1495Ala)

Gene: PLEC (plectin; minus strand). Cytogenetic location: 8q24.3.
Variant type: single nucleotide variant.
Coding change: c.4484A>C on transcript NM_201384.3 (MANE Select); coding-DNA position 4484, A replaced by C.
Protein change: p.Glu1495Ala; replaces glutamic acid 1495 with alanine.
Molecular consequence: missense variant.
Genome position (GRCh38, 1-based): chr8:143,925,445, T>G on the plus strand (A>C on the coding strand, the complement: PLEC is on the minus strand). VCF-style: chr8-143925445-T-G. GRCh37 (hg19) VCF-style: chr8-144999613-T-G.
Other names: c.4565A>C (NM_000445.3); c.4565A>C, p.Glu1522Ala (NM_000445.5); c.4442A>C, p.Glu1481Ala (NM_201378.4); c.4418A>C, p.Glu1473Ala (NM_201379.3); c.4895A>C, p.Glu1632Ala (NM_201380.4); c.4388A>C, p.Glu1463Ala (NM_201381.3); c.4484A>C, p.Glu1495Ala (NM_201382.4); c.4496A>C, p.Glu1499Ala (NM_201383.3); short protein forms E1463A, E1473A, E1481A, E1495A, E1499A, E1522A, E1632A.
Identifiers: ClinVar variation 1055989 (VCV001055989.6), dbSNP rs781819832, ClinGen allele CA4926644.

ClinVar aggregate classification (germline): Uncertain significance. Review status: criteria provided, multiple submitters, no conflicts (2 of 4 stars). 2 submissions from 2 submitters: Uncertain significance (2). Last evaluated 2024-07-17.

Conditions:
Epidermolysis bullosa simplex 5B, with muscular dystrophy (EBS5B). Also called: Epidermolysis bullosa simplex with muscular dystrophy; EPIDERMOLYSIS BULLOSA SIMPLEX AND LIMB-GIRDLE MUSCULAR DYSTROPHY. Identifiers: Orphanet 257, MedGen C2931072, MONDO:0009181, OMIM 226670.
Epidermolysis bullosa simplex 5C, with pyloric atresia (EBS5C). Also called: Epidermolysis bullosa simplex with pyloric atresia; PLEC-Related Epidermolysis Bullosa with Pyloric Atresia; PLEC1-Related Epidermolysis Bullosa with Pyloric Atresia. Identifiers: Orphanet 158684, MedGen C2677349, MONDO:0012807, OMIM 612138.
Epidermolysis bullosa simplex, Ogna type (EBS5A). Also called: Pidermolysis bullosa simplex 5A, Ogna type; EPIDERMOLYSIS BULLOSA SIMPLEX 5A, OGNA TYPE. Identifiers: Orphanet 79401, MedGen C0432317, MONDO:0007555, OMIM 131950.
Autosomal recessive limb-girdle muscular dystrophy type 2Q (LGMDR17). Also called: MUSCULAR DYSTROPHY, LIMB-GIRDLE, AUTOSOMAL RECESSIVE 17. Identifiers: Orphanet 254361, MedGen C3150989, MONDO:0013390, OMIM 613723.
Epidermolysis bullosa simplex with nail dystrophy (EBS5D). Identifiers: MedGen C4225309, MONDO:0014661, OMIM 616487.
Inborn genetic diseases. Identifiers: MedGen C0950123, MeSH D030342.

Allele frequency attached by ClinVar (database versions not stated): ExAC 0.00001; gnomAD 0.00001; gnomAD exomes 0.00001 and 0.00003; TOPMed 0.00001.
gnomAD v4.1: 16 of 1,595,634 alleles (0.001%); highest among the groups gnomAD compares: Non-Finnish European, 0.00034%; no homozygotes.

Submissions (2):

Labcorp Genetics (formerly Invitae), Labcorp
Classification: Uncertain significance for Autosomal recessive limb-girdle muscular dystrophy type 2Q; Epidermolysis bullosa simplex, Ogna type; Epidermolysis bullosa simplex with nail dystrophy; Epidermolysis bullosa simplex 5C, with pyloric atresia; Epidermolysis bullosa simplex 5B, with muscular dystrophy. Last evaluated: 2024-07-17. Review status: criteria provided, single submitter. Criteria: Invitae Variant Classification Sherloc (09022015). Collection method: clinical testing. Allele origin: germline.
Comment: This sequence change replaces glutamic acid, which is acidic and polar, with alanine, which is neutral and non-polar, at codon 1522 of the PLEC protein (p.Glu1522Ala). This variant is present in population databases (rs781819832, gnomAD 0.04%). This variant has not been reported in the literature in individuals affected with PLEC-related conditions. ClinVar contains an entry for this variant (Variation ID: 1055989). Advanced modeling of protein sequence and biophysical properties (such as structural, functional, and spatial information, amino acid conservation, physicochemical variation, residue mobility, and thermodynamic stability) has been performed at Invitae for this missense variant, however the output from this modeling did not meet the statistical confidence thresholds required to predict the impact of this variant on PLEC protein function. In summary, the available evidence is currently insufficient to determine the role of this variant in disease. Therefore, it has been classified as a Variant of Uncertain Significance.

Ambry Genetics
Classification: Uncertain significance for Inborn genetic diseases. Last evaluated: 2023-09-25. Review status: criteria provided, single submitter. Criteria: Ambry Variant Classification Scheme 2023. Collection method: clinical testing. Allele origin: germline.